The following is an entry in ClinVar:

NM_016169.4(SUFU):c.*2668C>T

Gene: SUFU (SUFU negative regulator of hedgehog signaling; plus strand). Cytogenetic location: 10q24.32.
Variant type: single nucleotide variant.
Coding change: c.*2668C>T on transcript NM_016169.4 (MANE Select); 2668 bases downstream of the stop codon, C replaced by T.
Molecular consequence: 3 prime UTR variant.
Genome position (GRCh38, 1-based): chr10:102,632,823, C>T. VCF-style: chr10-102632823-C-T. GRCh37 (hg19) VCF-style: chr10-104392580-C-T.
Identifiers: ClinVar variation 298607 (VCV000298607.7), dbSNP rs11594179, ClinGen allele CA10634419.

ClinVar aggregate classification (germline): Benign. Review status: criteria provided, multiple submitters, no conflicts (2 of 4 stars). 3 submissions from 3 submitters: Benign (3). Last evaluated 2025-07-31.

Conditions:
Gorlin syndrome. Also called: Basal cell nevus syndrome; Nevoid Basal Cell Carcinoma Syndrome. Identifiers: Orphanet 377, MedGen C0004779, MONDO:0007187.
Medulloblastoma (MDB). Also called: Medulloblastoma, somatic; MEDULLOBLASTOMA PREDISPOSITION SYNDROME. Identifiers: Orphanet 616, MedGen C0025149, MeSH D008527, MONDO:0007959, OMIM 155255, HP:0002885.

Allele frequency attached by ClinVar (database versions not stated): 1000 Genomes Project 0.12340; 1000 Genomes Project 30x 0.12430; TOPMed 0.16669; gnomAD 0.16920 and 0.17207; gnomAD exomes 0.18983.
gnomAD v4.1: 41,489 of 233,262 alleles (18%); highest among the groups gnomAD compares: Non-Finnish European, 22%; 4,342 homozygotes.

Submissions (3):

Labcorp Genetics (formerly Invitae), Labcorp
Classification: Benign for Gorlin syndrome; Medulloblastoma. Last evaluated: 2025-07-31. Review status: criteria provided, single submitter. Criteria: Invitae Variant Classification Sherloc (09022015). Collection method: clinical testing. Allele origin: germline.

Illumina Laboratory Services, Illumina
Classification: Benign for Medulloblastoma. Last evaluated: 2018-03-06. Review status: criteria provided, single submitter. Criteria: ICSL Variant Classification Criteria 13 December 2019. Collection method: clinical testing. Allele origin: germline.
Comment: This variant was observed in the ICSL laboratory as part of a predisposition screen in an ostensibly healthy population. It had not been previously curated by ICSL or reported in the Human Gene Mutation Database (HGMD: prior to June 1st, 2018), and was therefore a candidate for classification through an automated scoring system. Utilizing variant allele frequency, disease prevalence and penetrance estimates, and inheritance mode, an automated score was calculated to assess if this variant is too frequent to cause the disease. Based on the score and internal cut-off values, a variant classified as benign is not then subjected to further curation. The score for this variant resulted in a classification of benign for this disease.

Breakthrough Genomics
Classification: Benign. Review status: criteria provided, single submitter. Criteria: ACMG Guidelines, 2015. Collection method: not provided. Allele origin: germline. Inheritance: Autosomal recessive inheritance. Affected: yes.